The following is an entry in ClinVar:

NM_152618.3(BBS12):c.1989T>C (p.Tyr663=)

Gene: BBS12 (Bardet-Biedl syndrome 12; plus strand). Cytogenetic location: 4q27.
Variant type: single nucleotide variant.
Coding change: c.1989T>C on transcript NM_152618.3 (MANE Select); coding-DNA position 1989, T replaced by C.
Protein change: p.Tyr663=; no amino-acid change (tyrosine 663 retained).
Molecular consequence: synonymous variant.
Genome position (GRCh38, 1-based): chr4:122,743,881, T>C. VCF-style: chr4-122743881-T-C. GRCh37 (hg19) VCF-style: chr4-123665036-T-C.
Other names: c.1989T>C, p.Tyr663= (NM_001178007.2); c.1989T>C (NM_152618.2).
Identifiers: ClinVar variation 1664062 (VCV001664062.9), dbSNP rs2150737974, ClinGen allele CA441121333.

ClinVar aggregate classification (germline): Likely benign. Review status: criteria provided, multiple submitters, no conflicts (2 of 4 stars). 2 submissions from 2 submitters: Likely benign (2). Last evaluated 2024-12-04.

Conditions:
BBS12-related disorder. Also called: BBS12-related condition.
Bardet-Biedl syndrome (BBS). Identifiers: Orphanet 110, MedGen C0752166, MONDO:0015229.

gnomAD v4.1: 10 of 1,605,134 alleles (0.00062%); highest among the groups gnomAD compares: Non-Finnish European, 0.00085%; no homozygotes.

Submissions (2):

PreventionGenetics, part of Exact Sciences
Classification: Likely benign for BBS12-related condition. Last evaluated: 2024-12-04. Review status: criteria provided, single submitter. Criteria: ACMG Guidelines, 2015. Collection method: clinical testing. Allele origin: germline.
Comment: This variant is classified as likely benign based on ACMG/AMP sequence variant interpretation guidelines (Richards et al. 2015 PMID: 25741868, with internal and published modifications).

Labcorp Genetics (formerly Invitae), Labcorp
Classification: Likely benign for Bardet-Biedl syndrome. Last evaluated: 2021-06-02. Review status: criteria provided, single submitter. Criteria: Invitae Variant Classification Sherloc (09022015). Collection method: clinical testing. Allele origin: germline.